The following is an entry in ClinVar:

NM_016616.5(NME8):c.1061C>T (p.Ser354Leu)

Gene: NME8 (NME/NM23 family member 8; plus strand). Cytogenetic location: 7p14.1.
Variant type: single nucleotide variant.
Coding change: c.1061C>T on transcript NM_016616.5 (MANE Select); coding-DNA position 1061, C replaced by T.
Protein change: p.Ser354Leu; replaces serine 354 with leucine.
Molecular consequence: missense variant.
Genome position (GRCh38, 1-based): chr7:37,884,369, C>T. VCF-style: chr7-37884369-C-T. GRCh37 (hg19) VCF-style: chr7-37923971-C-T.
Other names: short protein forms S354L.
Identifiers: ClinVar variation 3200817 (VCV003200817.3), dbSNP rs144650767, ClinGen allele CA4222411.

ClinVar aggregate classification (germline): Uncertain significance. Review status: criteria provided, multiple submitters, no conflicts (2 of 4 stars). 2 submissions from 2 submitters: Uncertain significance (2). Last evaluated 2024-06-26.

Conditions:
Primary ciliary dyskinesia. Also called: Ciliary dyskinesia. Identifiers: Orphanet 244, MedGen C0008780, MONDO:0016575, HP:0012265.
Primary ciliary dyskinesia 6. Also called: Primary Ciliary Dyskinesia 6: TXNDC3-Related Primary Ciliary Dyskinesia. Identifiers: Orphanet 244, MedGen C1970506, MONDO:0012571, OMIM 610852.

Allele frequency attached by ClinVar (database versions not stated): gnomAD 0.00001; gnomAD exomes 0.00001; ExAC 0.00002; TOPMed 0.00002; ESP Exome Variant Server 0.00008.
gnomAD v4.1: 15 of 1,603,542 alleles (0.00094%); highest among the groups gnomAD compares: South Asian, 0.0033%; no homozygotes.

Submissions (2):

Labcorp Genetics (formerly Invitae), Labcorp
Classification: Uncertain significance for Primary ciliary dyskinesia 6. Last evaluated: 2024-06-26. Review status: criteria provided, single submitter. Criteria: Invitae Variant Classification Sherloc (09022015). Collection method: clinical testing. Allele origin: germline.
Comment: This sequence change replaces serine, which is neutral and polar, with leucine, which is neutral and non-polar, at codon 354 of the NME8 protein (p.Ser354Leu). This variant is present in population databases (rs144650767, gnomAD 0.01%). This variant has not been reported in the literature in individuals affected with NME8-related conditions. Advanced modeling of protein sequence and biophysical properties (such as structural, functional, and spatial information, amino acid conservation, physicochemical variation, residue mobility, and thermodynamic stability) has been performed at Invitae for this missense variant, however the output from this modeling did not meet the statistical confidence thresholds required to predict the impact of this variant on NME8 protein function. In summary, the available evidence is currently insufficient to determine the role of this variant in disease. Therefore, it has been classified as a Variant of Uncertain Significance.

Ambry Genetics
Classification: Uncertain significance for Primary ciliary dyskinesia. Last evaluated: 2023-11-06. Review status: criteria provided, single submitter. Criteria: Ambry Variant Classification Scheme 2023. Collection method: clinical testing. Allele origin: germline.